The following is an entry in ClinVar:

ClinVar aggregate classification (germline): Benign. Review status: criteria provided, multiple submitters, no conflicts (2 of 4 stars). 3 submissions from 3 submitters: Benign (2). 1 of the submissions does not count toward it. Last evaluated 2026-01-20.

Conditions:
MIPEP-related disorder. Also called: MIPEP-related condition.

Allele frequency attached by ClinVar (database versions not stated): 1000 Genomes Project 0.00938; TOPMed 0.00953; 1000 Genomes Project 30x 0.01015; ESP Exome Variant Server 0.01038; gnomAD exomes 0.00089 and 0.00224; ExAC 0.00274; gnomAD 0.00851.
gnomAD v4.1: 2,620 of 1,613,760 alleles (0.16%); highest among the groups gnomAD compares: African/African-American, 2.9%; 30 homozygotes.

Submissions (3):

Labcorp Genetics (formerly Invitae), Labcorp
Classification: Benign. Last evaluated: 2026-01-20. Review status: criteria provided, single submitter. Criteria: Invitae Variant Classification Sherloc (09022015). Collection method: clinical testing. Allele origin: germline.

Breakthrough Genomics
Classification: Benign. Review status: criteria provided, single submitter. Criteria: ACMG Guidelines, 2015. Collection method: not provided. Allele origin: germline. Inheritance: Autosomal recessive inheritance. Affected: yes.

PreventionGenetics, part of Exact Sciences
Classification: Benign for MIPEP-related condition. Last evaluated: 2023-12-06. Review status: no assertion criteria provided. Collection method: clinical testing. Allele origin: germline. Not counted in ClinVar's aggregate classification.
Comment: This variant is classified as benign based on ACMG/AMP sequence variant interpretation guidelines (Richards et al. 2015 PMID: 25741868, with internal and published modifications).

NM_005932.4(MIPEP):c.1774C>T (p.Leu592=)

Gene: MIPEP (mitochondrial intermediate peptidase; minus strand). Cytogenetic location: 13q12.12.
Variant type: single nucleotide variant.
Coding change: c.1774C>T on transcript NM_005932.4 (MANE Select); coding-DNA position 1774, C replaced by T.
Protein change: p.Leu592=; no amino-acid change (leucine 592 retained).
Molecular consequence: synonymous variant.
Genome position (GRCh38, 1-based): chr13:23,806,024, G>A on the plus strand (C>T on the coding strand, the complement: MIPEP is on the minus strand). VCF-style: chr13-23806024-G-A. GRCh37 (hg19) VCF-style: chr13-24380163-G-A.
Identifiers: ClinVar variation 787407 (VCV000787407.13), dbSNP rs115309858, ClinGen allele CA6912866.